The following is an entry in ClinVar:

NM_016599.5(MYOZ2):c.373C>T (p.Pro125Ser)

Gene: MYOZ2 (myozenin 2; plus strand). Cytogenetic location: 4q26.
Variant type: single nucleotide variant.
Coding change: c.373C>T on transcript NM_016599.5 (MANE Select); coding-DNA position 373, C replaced by T.
Protein change: p.Pro125Ser; replaces proline 125 with serine.
Molecular consequence: missense variant.
Genome position (GRCh38, 1-based): chr4:119,158,148, C>T. VCF-style: chr4-119158148-C-T. GRCh37 (hg19) VCF-style: chr4-120079303-C-T.
Other names: short protein forms P125S.
Identifiers: ClinVar variation 1514517 (VCV001514517.8), dbSNP rs2149223427, ClinGen allele CA358204054.
Genomic context (GRCh38, chr4:119,158,148, plus strand): 5'-CCCTTGACTCCTCCCAACACCCCAGATCCACGAAGCCCTCCAAATCCAGACAACATTGCT[C>T]CAGGTAACCAATCCCCTTACCAACAGAGCAATAAAATTTCTGTGTACCTAATGATATGAC-3'
Protein context (NP_057683.1, residues 115-135): RSPPNPDNIA[Pro125Ser]GYSGPLKEIP

ClinVar aggregate classification (germline): Uncertain significance (1 of 4 stars; one submission).

Conditions:
Hypertrophic cardiomyopathy. Also called: HYPERTROPHIC MYOCARDIOPATHY. Identifiers: Orphanet 217569, MedGen C0007194, MeSH D002312, MONDO:0005045, HP:0001639.

gnomAD v4.1: 1 of 1,613,996 alleles (0.000062%); highest among the groups gnomAD compares: Admixed American, 0.0017%; no homozygotes.

Submission:

Labcorp Genetics (formerly Invitae), Labcorp
Classification: Uncertain significance for Hypertrophic cardiomyopathy. Last evaluated: 2024-01-22. Review status: criteria provided, single submitter. Criteria: Invitae Variant Classification Sherloc (09022015). Collection method: clinical testing. Allele origin: germline.
Comment: This sequence change replaces proline, which is neutral and non-polar, with serine, which is neutral and polar, at codon 125 of the MYOZ2 protein (p.Pro125Ser). This variant is not present in population databases (gnomAD no frequency). This variant has not been reported in the literature in individuals affected with MYOZ2-related conditions. ClinVar contains an entry for this variant (Variation ID: 1514517). Advanced modeling of protein sequence and biophysical properties (such as structural, functional, and spatial information, amino acid conservation, physicochemical variation, residue mobility, and thermodynamic stability) performed at Invitae indicates that this missense variant is not expected to disrupt MYOZ2 protein function with a negative predictive value of 80%. In summary, the available evidence is currently insufficient to determine the role of this variant in disease. Therefore, it has been classified as a Variant of Uncertain Significance.